The following is an entry in ClinVar:

NM_006565.4(CTCF):c.576A>G (p.Gln192=)

Gene: CTCF (CCCTC-binding factor; plus strand). Cytogenetic location: 16q22.1.
Variant type: single nucleotide variant.
Coding change: c.576A>G on transcript NM_006565.4 (MANE Select); coding-DNA position 576, A replaced by G.
Protein change: p.Gln192=; no amino-acid change (glutamine 192 retained).
Molecular consequence: synonymous variant. On other transcripts: intron variant (1).
Genome position (GRCh38, 1-based): chr16:67,611,408, A>G. VCF-style: chr16-67611408-A-G. GRCh37 (hg19) VCF-style: chr16-67645311-A-G.
Other names: c.576A>G, p.Gln192= (NM_001363916.2); c.-32-5337A>G (NM_001191022.2).
Identifiers: ClinVar variation 1012403 (VCV001012403.39), dbSNP rs779404795, ClinGen allele CA8112536.

ClinVar aggregate classification (germline): Likely benign. Review status: criteria provided, single submitter (1 of 4 stars). 2 submissions from 2 submitters: Likely benign (1). 1 of the submissions does not count toward it. Last evaluated 2021-01-01.

Conditions:
CTCF-related disorder. Also called: CTCF-related condition. Identifiers: MedGen CN381101.

Allele frequency attached by ClinVar (database versions not stated): ExAC 0.00002; gnomAD exomes 0.00002; TOPMed 0.00003; gnomAD 0.00004.
gnomAD v4.1: 32 of 1,614,062 alleles (0.002%); highest among the groups gnomAD compares: Non-Finnish European, 0.0027%; no homozygotes.

Submissions (2):

CeGaT Center for Human Genetics Tuebingen
Classification: Likely benign. Last evaluated: 2021-01-01. Review status: criteria provided, single submitter. Criteria: CeGaT Center For Human Genetics Tuebingen Variant Classification Criteria Version 2. Collection method: clinical testing. Allele origin: germline. Affected: yes. Observed: 1 variant allele.

PreventionGenetics, part of Exact Sciences
Classification: Likely benign for CTCF-related condition. Last evaluated: 2019-03-04. Review status: no assertion criteria provided. Collection method: clinical testing. Allele origin: germline. Not counted in ClinVar's aggregate classification.
Comment: This variant is classified as likely benign based on ACMG/AMP sequence variant interpretation guidelines (Richards et al. 2015 PMID: 25741868, with internal and published modifications).